The following is an entry in ClinVar:

NM_004523.4(KIF11):c.2166T>G (p.Leu722=)

Gene: KIF11 (kinesin family member 11; plus strand). Cytogenetic location: 10q23.33.
Variant type: single nucleotide variant.
Coding change: c.2166T>G on transcript NM_004523.4 (MANE Select); coding-DNA position 2166, T replaced by G.
Protein change: p.Leu722=; no amino-acid change (leucine 722 retained).
Molecular consequence: synonymous variant.
Genome position (GRCh38, 1-based): chr10:92,639,799, T>G. VCF-style: chr10-92639799-T-G. GRCh37 (hg19) VCF-style: chr10-94399556-T-G.
Identifiers: ClinVar variation 738646 (VCV000738646.43), dbSNP rs147721514, ClinGen allele CA5604353.
Genomic context (GRCh38, chr10:92,639,799, plus strand): 5'-AAATGTTCAAGTGTCATAATTTTAAGTCTCTTCACTTCCCACACCTTTCTTACAGGAACT[T>G]TGCAAGTTAATGAATCTTTGGACAGAGAGATTCTGTGCTTTGGAGGAAAAGTGTGAAAAT-3'
Protein context (NP_004514.2, residues 712-732): KTIKQTHSQE[Leu722=]CKLMNLWTER

ClinVar aggregate classification (germline): Benign/Likely benign. Review status: criteria provided, multiple submitters, no conflicts (2 of 4 stars). 7 submissions from 7 submitters: Benign (3); Likely benign (2). 2 of the submissions do not count toward it. Last evaluated 2026-02-02.

Allele frequency attached by ClinVar (database versions not stated): gnomAD exomes 0.00019 and 0.00049; ExAC 0.00055; 1000 Genomes Project 0.00180; gnomAD 0.00185 and 0.00204; TOPMed 0.00209; 1000 Genomes Project 30x 0.00219; ESP Exome Variant Server 0.00261.
gnomAD v4.1: 579 of 1,598,462 alleles (0.036%); highest among the groups gnomAD compares: African/African-American, 0.69%; 3 homozygotes.

Submissions (7):

Labcorp Genetics (formerly Invitae), Labcorp
Classification: Benign. Last evaluated: 2026-02-02. Review status: criteria provided, single submitter. Criteria: Invitae Variant Classification Sherloc (09022015). Collection method: clinical testing. Allele origin: germline.

Blueprint Genetics
Classification: Benign. Last evaluated: 2024-11-25. Review status: criteria provided, single submitter. Criteria: ACMG Guidelines, 2015. Collection method: clinical testing. Allele origin: germline.

CeGaT Center for Human Genetics Tuebingen
Classification: Likely benign. Last evaluated: 2024-06-01. Review status: criteria provided, single submitter. Criteria: CeGaT Center For Human Genetics Tuebingen Variant Classification Criteria Version 2. Collection method: clinical testing. Allele origin: germline. Affected: yes. Observed: 2 variant alleles.
Comment: KIF11: BP4, BP7, BS2

GeneDx
Classification: Benign. Last evaluated: 2020-11-20. Review status: criteria provided, single submitter. Criteria: GeneDx Variant Classification Process June 2021. Collection method: clinical testing. Allele origin: germline. Affected: yes.

Genetic Services Laboratory, University of Chicago
Classification: Likely benign. Last evaluated: 2019-01-09. Review status: criteria provided, single submitter. Criteria: ACMG Guidelines, 2015. Collection method: clinical testing. Allele origin: germline. Affected: no.

Clinical Genetics DNA and cytogenetics Diagnostics Lab, Erasmus MC, Erasmus Medical Center
Classification: Likely benign. Review status: no assertion criteria provided. Collection method: clinical testing. Allele origin: germline. Affected: yes. Study: VKGL Data-share Consensus. Not counted in ClinVar's aggregate classification.

Clinical Genetics, Academic Medical Center
Classification: Benign. Review status: no assertion criteria provided. Collection method: clinical testing. Allele origin: germline. Affected: yes. Study: VKGL Data-share Consensus. Not counted in ClinVar's aggregate classification.